The following is an entry in ClinVar:

ClinVar aggregate classification (germline): Uncertain significance. Review status: criteria provided, multiple submitters, no conflicts (2 of 4 stars). 2 submissions from 2 submitters: Uncertain significance (2). Last evaluated 2025-01-17.

gnomAD v4.1: 34 of 1,552,156 alleles (0.0022%); highest among the groups gnomAD compares: East Asian, 0.0045%; no homozygotes.

Submissions (2):

Ambry Genetics
Classification: Uncertain significance. Last evaluated: 2025-01-17. Review status: criteria provided, single submitter. Criteria: Ambry Variant Classification Scheme 2023. Collection method: clinical testing. Allele origin: germline.

Labcorp Genetics (formerly Invitae), Labcorp
Classification: Uncertain significance. Last evaluated: 2024-01-31. Review status: criteria provided, single submitter. Criteria: Invitae Variant Classification Sherloc (09022015). Collection method: clinical testing. Allele origin: germline.
Comment: This sequence change replaces arginine, which is basic and polar, with tryptophan, which is neutral and slightly polar, at codon 501 of the TNS2 protein (p.Arg501Trp). The frequency data for this variant in the population databases is considered unreliable, as metrics indicate poor data quality at this position in the gnomAD database. This variant has not been reported in the literature in individuals affected with TNS2-related conditions. An algorithm developed to predict the effect of missense changes on protein structure and function (PolyPhen-2) suggests that this variant is likely to be disruptive. In summary, the available evidence is currently insufficient to determine the role of this variant in disease. Therefore, it has been classified as a Variant of Uncertain Significance.

NM_170754.4(TNS2):c.1471C>T (p.Arg491Trp)

Gene: TNS2 (tensin 2; plus strand). Cytogenetic location: 12q13.13.
Variant type: single nucleotide variant.
Coding change: c.1471C>T on transcript NM_170754.4 (MANE Select); coding-DNA position 1471, C replaced by T.
Protein change: p.Arg491Trp; replaces arginine 491 with tryptophan.
Molecular consequence: missense variant.
Genome position (GRCh38, 1-based): chr12:53,059,112, C>T. VCF-style: chr12-53059112-C-T. GRCh37 (hg19) VCF-style: chr12-53452896-C-T.
Other names: c.1501C>T (NM_015319.2); c.1471C>T, p.Arg491Trp (NM_001416202.1); c.1429C>T, p.Arg477Trp (NM_001416203.1); c.1498C>T, p.Arg500Trp (NM_001416204.1); c.1402C>T, p.Arg468Trp (NM_015319.3); c.1099C>T, p.Arg367Trp (NM_198316.2); short protein forms R367W, R468W, R477W, R491W, R500W.
Identifiers: ClinVar variation 3667063 (VCV003667063.3).